The following is an entry in ClinVar:

ClinVar aggregate classification (germline): Uncertain significance (1 of 4 stars; one submission).

gnomAD v4.1: 1 of 1,610,264 alleles (0.000062%); highest among the groups gnomAD compares: Non-Finnish European, 0.000085%; no homozygotes.

Submission:

Labcorp Genetics (formerly Invitae), Labcorp
Classification: Uncertain significance. Last evaluated: 2024-07-04. Review status: criteria provided, single submitter. Criteria: Invitae Variant Classification Sherloc (09022015). Collection method: clinical testing. Allele origin: germline.
Comment: This sequence change replaces arginine, which is basic and polar, with glycine, which is neutral and non-polar, at codon 777 of the RP1 protein (p.Arg777Gly). This variant is not present in population databases (gnomAD no frequency). This variant has not been reported in the literature in individuals affected with RP1-related conditions. An algorithm developed to predict the effect of missense changes on protein structure and function (PolyPhen-2) suggests that this variant is likely to be disruptive. In summary, the available evidence is currently insufficient to determine the role of this variant in disease. Therefore, it has been classified as a Variant of Uncertain Significance.

NM_006269.2(RP1):c.2329A>G (p.Arg777Gly)

Gene: RP1 (RP1 axonemal microtubule associated; plus strand). Cytogenetic location: 8q12.1.
Variant type: single nucleotide variant.
Coding change: c.2329A>G on transcript NM_006269.2 (MANE Select); coding-DNA position 2329, A replaced by G.
Protein change: p.Arg777Gly; replaces arginine 777 with glycine.
Molecular consequence: missense variant. On other transcripts: intron variant (1).
Genome position (GRCh38, 1-based): chr8:54,626,211, A>G. VCF-style: chr8-54626211-A-G. GRCh37 (hg19) VCF-style: chr8-55538771-A-G.
Other names: c.787+3923A>G (NM_001375654.1); short protein forms R777G.
Identifiers: ClinVar variation 3672420 (VCV003672420.2).
Genomic context (GRCh38, chr8:54,626,211, plus strand): 5'-TTCCATAGAAATAAATTAAATACTACTCAAAATTCCAAGGTTCAAGGACTTTTAACCAAA[A>G]GAAAATCTAGATCACTAAATAAAATAAGCTTAGGAGCACCTAAAAAAAGAGAAATCGGTC-3'
Protein context (NP_006260.1, residues 767-787): NSKVQGLLTK[Arg777Gly]KSRSLNKISL